The following is an entry in ClinVar:

NM_182943.3(PLOD2):c.230G>A (p.Gly77Asp)

Gene: PLOD2 (procollagen-lysine,2-oxoglutarate 5-dioxygenase 2; minus strand). Cytogenetic location: 3q24.
Variant type: single nucleotide variant.
Coding change: c.230G>A on transcript NM_182943.3 (MANE Select); coding-DNA position 230, G replaced by A.
Protein change: p.Gly77Asp; replaces glycine 77 with aspartic acid.
Molecular consequence: missense variant.
Genome position (GRCh38, 1-based): chr3:146,121,220, C>T on the plus strand (G>A on the coding strand, the complement: PLOD2 is on the minus strand). VCF-style: chr3-146121220-C-T. GRCh37 (hg19) VCF-style: chr3-145839007-C-T.
Other names: c.230G>A, p.Gly77Asp (NM_000935.3); c.230G>A (NM_000935.2); short protein forms G77D.
Identifiers: ClinVar variation 1462928 (VCV001462928.4), dbSNP rs550639807, ClinGen allele CA2655308.

ClinVar aggregate classification (germline): Uncertain significance. Review status: criteria provided, multiple submitters, no conflicts (2 of 4 stars). 2 submissions from 2 submitters: Uncertain significance (2). Last evaluated 2024-01-09.

Conditions:
Inborn genetic diseases. Identifiers: MedGen C0950123, MeSH D030342.

Allele frequency attached by ClinVar (database versions not stated): TOPMed 0.00002; gnomAD 0.00003; gnomAD exomes 0.00003 and 0.00007; ExAC 0.00007; 1000 Genomes Project 30x 0.00016; 1000 Genomes Project 0.00020.
gnomAD v4.1: 43 of 1,611,454 alleles (0.0027%); highest among the groups gnomAD compares: East Asian, 0.083%; no homozygotes.

Submissions (2):

Ambry Genetics
Classification: Uncertain significance for Inborn genetic diseases. Last evaluated: 2024-01-09. Review status: criteria provided, single submitter. Criteria: Ambry Variant Classification Scheme 2023. Collection method: clinical testing. Allele origin: germline.

Labcorp Genetics (formerly Invitae), Labcorp
Classification: Uncertain significance. Last evaluated: 2022-04-26. Review status: criteria provided, single submitter. Criteria: Invitae Variant Classification Sherloc (09022015). Collection method: clinical testing. Allele origin: germline.
Comment: This sequence change replaces glycine, which is neutral and non-polar, with aspartic acid, which is acidic and polar, at codon 77 of the PLOD2 protein (p.Gly77Asp). This variant is present in population databases (rs550639807, gnomAD 0.1%). This variant has not been reported in the literature in individuals affected with PLOD2-related conditions. Algorithms developed to predict the effect of missense changes on protein structure and function (SIFT, PolyPhen-2, Align-GVGD) all suggest that this variant is likely to be disruptive. In summary, the available evidence is currently insufficient to determine the role of this variant in disease. Therefore, it has been classified as a Variant of Uncertain Significance.